The following is an entry in ClinVar:

ClinVar aggregate classification (germline): Likely benign (1 of 4 stars; one submission).

Allele frequency attached by ClinVar (database versions not stated): gnomAD 0.00001.
gnomAD v4.1: 2 of 1,614,040 alleles (0.00012%); highest among the groups gnomAD compares: Admixed American, 0.0017%; no homozygotes.

Submission:

CeGaT Center for Human Genetics Tuebingen
Classification: Likely benign. Last evaluated: 2023-01-01. Review status: criteria provided, single submitter. Criteria: CeGaT Center For Human Genetics Tuebingen Variant Classification Criteria Version 2. Collection method: clinical testing. Allele origin: germline. Affected: yes. Observed: 1 variant allele.
Comment: FAT2: BP4

NM_001447.3(FAT2):c.12190G>A (p.Val4064Ile)

Genes: FAT2 (FAT atypical cadherin 2; minus strand), SLC36A1 (solute carrier family 36 member 1; plus strand). Cytogenetic location: 5q33.1.
Variant type: single nucleotide variant.
Coding change: c.12190G>A on transcript NM_001447.3 (MANE Select); coding-DNA position 12190, G replaced by A.
Protein change: p.Val4064Ile; replaces valine 4064 with isoleucine.
Molecular consequence: missense variant.
Genome position (GRCh38, 1-based): chr5:151,507,481, C>T on the plus strand (G>A on the coding strand, the complement: FAT2 is on the minus strand). VCF-style: chr5-151507481-C-T. GRCh37 (hg19) VCF-style: chr5-150887042-C-T.
Other names: short protein forms V4064I.
Identifiers: ClinVar variation 2498988 (VCV002498988.28), dbSNP rs1194173873, ClinGen allele CA361819757.